The following is an entry in ClinVar:

NM_000038.6(APC):c.4594G>A (p.Asp1532Asn)

Gene: APC (APC regulator of Wnt signaling pathway; plus strand). Cytogenetic location: 5q22.2.
Variant type: single nucleotide variant.
Coding change: c.4594G>A on transcript NM_000038.6 (MANE Select); coding-DNA position 4594, G replaced by A.
Protein change: p.Asp1532Asn; replaces aspartic acid 1532 with asparagine.
Molecular consequence: missense variant.
Genome position (GRCh38, 1-based): chr5:112,840,188, G>A. VCF-style: chr5-112840188-G-A. GRCh37 (hg19) VCF-style: chr5-112175885-G-A.
Other names: p.D1532N:GAC>AAC; c.4594G>A, p.Asp1532Asn (NM_001127510.3, NM_001354895.2); c.4540G>A, p.Asp1514Asn (NM_001127511.3); c.4648G>A, p.Asp1550Asn (NM_001354896.2); c.4624G>A, p.Asp1542Asn (NM_001354897.2); c.4519G>A, p.Asp1507Asn (NM_001354898.2); c.4510G>A, p.Asp1504Asn (NM_001354899.2); c.4471G>A, p.Asp1491Asn (NM_001354900.2); and 6 more; short protein forms D1514N, D1532N, D1249N, D1431N, D1504N, D1441N, D1473N, D1491N.
Identifiers: ClinVar variation 181807 (VCV000181807.33), dbSNP rs730881251, ClinGen allele CA009625.

ClinVar aggregate classification (germline): Uncertain significance. Review status: criteria provided, multiple submitters, no conflicts (2 of 4 stars). 12 submissions from 12 submitters: Uncertain significance (11). 1 of the submissions does not count toward it. Last evaluated 2026-08-06.

Conditions:
Classic or attenuated familial adenomatous polyposis. Identifiers: MedGen CN372698, MONDO:0021057.
APC-related disorder. Also called: APC-related condition.
Hereditary cancer-predisposing syndrome. Also called: Tumor predisposition; Hereditary neoplastic syndrome; Neoplastic Syndromes, Hereditary; Hereditary Cancer Syndrome. Identifiers: Orphanet 140162, MedGen C0027672, MeSH D009386, MONDO:0015356.
Familial adenomatous polyposis 1 (FAP1). Also called: FAMILIAL ADENOMATOUS POLYPOSIS 1, ATTENUATED; POLYPOSIS, ADENOMATOUS INTESTINAL. Identifiers: MedGen C2713442, MONDO:0021056, OMIM 175100. Disease mechanism: loss of function.
Hepatocellular carcinoma (HCC). Also called: Primary carcinoma of liver; HEPATOMA; LIVER CELL CARCINOMA. Identifiers: Orphanet 88673, MedGen C2239176, MONDO:0007256, OMIM 114550, HP:0001402.

Allele frequency attached by ClinVar (database versions not stated): gnomAD exomes below 0.00001 and 0.00001; TOPMed below 0.00001.

Submissions (12):

OLLIN Analises Genomicas, OLLIN
Classification: Uncertain significance for Hepatocellular carcinoma. Last evaluated: 2026-08-06. Review status: criteria provided, single submitter. Criteria: ACMG Guidelines 2015 PMID 25741868. Collection method: clinical testing. Allele origin: germline. Inheritance: Autosomal dominant inheritance.
Comment: This missense variant, located in exon 16 (of 16), has been reported in ClinVar (accession VCV000825024.4) and in gnomAD with an allele frequency of 0.00037%. However, to our knowledge, it has not been reported in the scientific literature. In silico analysis is inconclusive regarding the impact of this variant. This gene has high tolerance to missense variation. According to the currently available evidence, this variant has been classified as uncertain significance (BP1).

St. Jude Molecular Pathology, St. Jude Children's Research Hospital
Classification: Uncertain significance for Familial adenomatous polyposis 1. Last evaluated: 2026-02-11. Review status: criteria provided, single submitter. Criteria: St. Jude Assertion Criteria 2020. Collection method: clinical testing. Allele origin: germline.
Comment: The APC c.4594G>A p.(Asp1532Asn) missense change has a maximum subpopulation frequency of 0.002% in gnomAD v2.1.1. The in silico tool REVEL is inconclusive about a pathogenic or benign effect of this variant on protein function, and to our knowledge functional studies have not been performed. To our knowledge, this variant has not been reported in the literature in individuals with APC-related disease. In summary, the evidence currently available is insufficient to determine the clinical significance of this variant. It has therefore been classified as of uncertain significance.

Labcorp Genetics (formerly Invitae), Labcorp
Classification: Uncertain significance for Familial adenomatous polyposis 1. Last evaluated: 2025-10-18. Review status: criteria provided, single submitter. Criteria: Invitae Variant Classification Sherloc (09022015). Collection method: clinical testing. Allele origin: germline.
Comment: This sequence change replaces aspartic acid, which is acidic and polar, with asparagine, which is neutral and polar, at codon 1532 of the APC protein (p.Asp1532Asn). This variant is present in population databases (rs730881251, gnomAD 0.002%). This missense change has been observed in individual(s) with ovarian cancer (PMID: 35534704). ClinVar contains an entry for this variant (Variation ID: 181807). Invitae Evidence Modeling of protein sequence and biophysical properties (such as structural, functional, and spatial information, amino acid conservation, physicochemical variation, residue mobility, and thermodynamic stability) indicates that this missense variant is not expected to disrupt APC protein function with a negative predictive value of 95%. In summary, the available evidence is currently insufficient to determine the role of this variant in disease. Therefore, it has been classified as a Variant of Uncertain Significance.

Ambry Genetics
Classification: Uncertain significance for Hereditary cancer-predisposing syndrome. Last evaluated: 2025-09-22. Review status: criteria provided, single submitter. Criteria: Ambry Variant Classification Scheme 2023. Collection method: clinical testing. Allele origin: germline.
Comment: The p.D1532N variant (also known as c.4594G>A), located in coding exon 15 of the APC gene, results from a G to A substitution at nucleotide position 4594. The aspartic acid at codon 1532 is replaced by asparagine, an amino acid with highly similar properties. This amino acid position is well conserved in available vertebrate species. In addition, in silico predictors for this gene do not accurately predict pathogenicity. Since supporting evidence is limited at this time, the clinical significance of this alteration remains unclear.

Women's Health and Genetics/Laboratory Corporation of America, LabCorp
Classification: Uncertain significance. Last evaluated: 2025-04-09. Review status: criteria provided, single submitter. Criteria: LabCorp Variant Classification Summary - May 2015. Collection method: clinical testing. Allele origin: germline.
Comment: Variant summary: APC c.4594G>A (p.Asp1532Asn) results in a conservative amino acid change in the encoded protein sequence. Three of five in-silico tools predict a benign effect of the variant on protein function. The variant allele was found at a frequency of 8e-06 in 250372 control chromosomes (gnomAD). The available data on variant occurrences in the general population are insufficient to allow any conclusion about variant significance. c.4594G>A has been reported in the literature in individuals affected with breast or ovarian cancer without cosegregation information (de Oliveira_2022). This report does not provide unequivocal conclusions about association of the variant with Familial Adenomatous Polyposis. To our knowledge, no experimental evidence demonstrating an impact on protein function has been reported. The following publication has been ascertained in the context of this evaluation (PMID: 35534704). ClinVar contains an entry for this variant (Variation ID: 181807). Based on the evidence outlined above, the variant was classified as uncertain significance.

All of Us Research Program, National Institutes of Health
Classification: Uncertain significance for Classic or attenuated familial adenomatous polyposis. Last evaluated: 2024-08-23. Review status: criteria provided, single submitter. Criteria: ACMG Guidelines, 2015. Collection method: clinical testing. Allele origin: germline. Inheritance: Autosomal dominant inheritance. Observed: 4 variant alleles, 4 heterozygotes.
Comment: This missense variant replaces aspartic acid with asparagine at codon 1532 of the APC protein. Computational prediction is inconclusive regarding the impact of this variant on protein structure and function (internally defined REVEL score threshold 0.5 < inconclusive < 0.7, PMID: 27666373). To our knowledge, functional studies have not been reported for this variant. This variant has been reported in an individual affected with ovarian cancer (DOI: 10.1101/2021.04.15.21255554). This variant has been identified in 2/250372 chromosomes in the general population by the Genome Aggregation Database (gnomAD). The available evidence is insufficient to determine the role of this variant in disease conclusively. Therefore, this variant is classified as a Variant of Uncertain Significance.

This study involves interpretation of variants in research participants for the purpose of population health screening. Participant phenotype was not available at the time of variant classification. Additional details can be found in publication PMID: 35346344, PMCID: PMC8962531

Color Diagnostics, LLC DBA Color Health
Classification: Uncertain significance for Hereditary cancer-predisposing syndrome. Last evaluated: 2024-02-14. Review status: criteria provided, single submitter. Criteria: ACMG Guidelines, 2015. Collection method: clinical testing. Allele origin: germline.
Comment: This missense variant replaces aspartic acid with asparagine at codon 1532 of the APC protein. Computational prediction suggests that this variant may not impact protein structure and function (internally defined REVEL score threshold <= 0.5, PMID: 27666373). To our knowledge, functional studies have not been reported for this variant. This variant has not been reported in individuals affected with APC-related disorders in the literature. This variant has been identified in 2/250372 chromosomes in the general population by the Genome Aggregation Database (gnomAD). The available evidence is insufficient to determine the role of this variant in disease conclusively. Therefore, this variant is classified as a Variant of Uncertain Significance.

Baylor Genetics
Classification: Uncertain significance for Familial adenomatous polyposis 1. Last evaluated: 2023-10-15. Review status: criteria provided, single submitter. Criteria: ACMG Guidelines, 2015. Collection method: clinical testing. Allele origin: unknown.

Quest Diagnostics Nichols Institute San Juan Capistrano
Classification: Uncertain significance. Last evaluated: 2019-10-16. Review status: criteria provided, single submitter. Criteria: Quest Diagnostics criteria. Collection method: clinical testing. Allele origin: unknown.

GeneDx
Classification: Uncertain significance. Last evaluated: 2019-08-26. Review status: criteria provided, single submitter. Criteria: GeneDx Variant Classification Process June 2021. Collection method: clinical testing. Allele origin: germline. Affected: yes.
Comment: Not observed at a significant frequency in large population cohorts (Lek 2016); In silico analysis, which includes protein predictors and evolutionary conservation, supports that this variant does not alter protein structure/function; Has not been previously published as pathogenic or benign to our knowledge

Mendelics
Classification: Uncertain significance for Familial adenomatous polyposis 1. Last evaluated: 2019-05-28. Review status: criteria provided, single submitter. Criteria: Mendelics Assertion Criteria 2017. Collection method: clinical testing. Allele origin: unknown.

PreventionGenetics, part of Exact Sciences
Classification: Uncertain significance for APC-related condition. Last evaluated: 2024-06-26. Review status: no assertion criteria provided. Collection method: clinical testing. Allele origin: germline. Not counted in ClinVar's aggregate classification.
Comment: The APC c.4594G>A variant is predicted to result in the amino acid substitution p.Asp1532Asn. This variant has been reported in individuals with breast and ovarian cancer in a large cohort study of Brazilian population on hereditary cancer risk (Suppl Table 3. de Oliveira et al 2022. PubMed ID: 35534704). This variant is reported in 0.0018% of alleles in individuals of European (Non-Finnish) descent in gnomAD. This variant is interpreted as a variant of uncertain significance in ClinVar. At this time, the clinical significance of this variant is uncertain due to the absence of conclusive functional and genetic evidence.

Literature cited by the submitters: PubMed 35534704 (cited by Labcorp Genetics (formerly Invitae), Labcorp and Women's Health and Genetics/Laboratory Corporation of America, LabCorp).